The following is an entry in ClinVar:

ClinVar aggregate classification (germline): Benign/Likely benign. Review status: criteria provided, multiple submitters, no conflicts (2 of 4 stars). 5 submissions from 5 submitters: Benign (1); Likely benign (4). Last evaluated 2020-12-11.

Conditions:
Microcephaly 4, primary, autosomal recessive. Identifiers: Orphanet 2512, MedGen C1858516, MONDO:0011437, OMIM 604321.

Allele frequency attached by ClinVar (database versions not stated): gnomAD exomes 0.00042 and 0.00119; ExAC 0.00209; gnomAD 0.00460 and 0.00501; ESP Exome Variant Server 0.00481; TOPMed 0.00520; 1000 Genomes Project 0.00599; 1000 Genomes Project 30x 0.00687.
gnomAD v4.1: 1,315 of 1,558,814 alleles (0.084%); highest among the groups gnomAD compares: African/African-American, 1.7%; 12 homozygotes.

Submissions (11):

GeneDx
Classification: Likely benign. Last evaluated: 2020-12-11. Review status: criteria provided, single submitter. Criteria: GeneDx Variant Classification Process June 2021. Collection method: clinical testing. Allele origin: germline. Affected: yes.

Labcorp Genetics (formerly Invitae), Labcorp
Classification: Benign. Last evaluated: 2019-12-31. Review status: criteria provided, single submitter. Criteria: Invitae Variant Classification Sherloc (09022015). Collection method: clinical testing. Allele origin: germline.

Illumina Laboratory Services, Illumina
Classification: Likely benign for Microcephaly 4, primary, autosomal recessive. Last evaluated: 2018-01-13. Review status: criteria provided, single submitter. Criteria: ICSL Variant Classification Criteria 13 December 2019. Collection method: clinical testing. Allele origin: germline.
Comment: This variant was observed in the ICSL laboratory as part of a predisposition screen in an ostensibly healthy population. It had not been previously curated by ICSL or reported in the Human Gene Mutation Database (HGMD: prior to June 1st, 2018), and was therefore a candidate for classification through an automated scoring system. Utilizing variant allele frequency, disease prevalence and penetrance estimates, and inheritance mode, an automated score was calculated to assess if this variant is too frequent to cause the disease. Based on the score and internal cut-off values, a variant classified as likely benign is not then subjected to further curation. The score for this variant resulted in a classification of likely benign for this disease.

Center for Pediatric Genomic Medicine, Children's Mercy Hospital and Clinics
Classification: Likely benign. Last evaluated: 2017-04-27. Review status: criteria provided, single submitter. Criteria: ACMG Guidelines, 2015. Collection method: clinical testing. Allele origin: germline.

Breakthrough Genomics
Classification: Likely benign. Review status: criteria provided, single submitter. Criteria: ACMG Guidelines, 2015. Collection method: not provided. Allele origin: germline. Inheritance: Autosomal recessive inheritance. Affected: yes.

Dr. Peter K. Rogan Lab, Western University
No classification provided (evidence only). Condition: Acute myeloid leukemia. Review status: no classification provided. Collection method: in vitro. Allele origin: not applicable. Functional consequence: retained intron. Not counted in ClinVar's aggregate classification.

Dr. Peter K. Rogan Lab, Western University
No classification provided (evidence only). Condition: Colorectal cancer. Review status: no classification provided. Collection method: in vitro. Allele origin: not applicable. Functional consequence: retained intron. Not counted in ClinVar's aggregate classification.

Dr. Peter K. Rogan Lab, Western University
No classification provided (evidence only). Condition: Uterine corpus endometrial carcinoma. Review status: no classification provided. Collection method: in vitro. Allele origin: not applicable. Functional consequence: retained intron. Not counted in ClinVar's aggregate classification.

Dr. Peter K. Rogan Lab, Western University
No classification provided (evidence only). Condition: Cervical cancer. Review status: no classification provided. Collection method: in vitro. Allele origin: not applicable. Functional consequence: retained intron. Not counted in ClinVar's aggregate classification.

Dr. Peter K. Rogan Lab, Western University
No classification provided (evidence only). Condition: Sarcoma. Review status: no classification provided. Collection method: in vitro. Allele origin: not applicable. Functional consequence: retained intron. Not counted in ClinVar's aggregate classification.

Dr. Peter K. Rogan Lab, Western University
No classification provided (evidence only). Condition: Malignant tumor of esophagus. Review status: no classification provided. Collection method: in vitro. Allele origin: not applicable. Functional consequence: retained intron. Not counted in ClinVar's aggregate classification.

NM_144508.5(KNL1):c.6212+5G>A

Gene: KNL1 (kinetochore scaffold 1; plus strand). Cytogenetic location: 15q15.1.
Variant type: single nucleotide variant.
Coding change: c.6212+5G>A on transcript NM_144508.5 (MANE Select); 5 bases into the intron after coding-DNA position 6212, G replaced by A.
Molecular consequence: intron variant.
Genome position (GRCh38, 1-based): chr15:40,650,588, G>A. VCF-style: chr15-40650588-G-A. GRCh37 (hg19) VCF-style: chr15-40942786-G-A.
Other names: NC_000015.9:g.40942786G>A; c.6290+5G>A (NM_170589.5).
Identifiers: ClinVar variation 445492 (VCV000445492.14), dbSNP rs115900739, ClinGen allele CA7483640.